The following is an entry in ClinVar:

ClinVar aggregate classification (germline): Uncertain significance (1 of 4 stars; one submission).

Conditions:
Frontotemporal dementia and/or amyotrophic lateral sclerosis 4. Also called: FTDALS4. Identifiers: Orphanet 275872, MedGen C4225325, MONDO:0014641, OMIM 616439.

Submission:

Labcorp Genetics (formerly Invitae), Labcorp
Classification: Uncertain significance for Frontotemporal dementia and/or amyotrophic lateral sclerosis 4. Last evaluated: 2025-09-14. Review status: criteria provided, single submitter. Criteria: Invitae Variant Classification Sherloc (09022015). Collection method: clinical testing. Allele origin: germline.
Comment: This variant, c.1852_1854del, results in the deletion of 1 amino acid(s) of the TBK1 protein (p.Glu618del), but otherwise preserves the integrity of the reading frame. This variant is not present in population databases (gnomAD no frequency). This variant has been observed in individuals with amyotrophic lateral sclerosis (PMID: 31000212; internal data). Studies have shown that this variant alters TBK1 gene expression (PMID: 31000212). In summary, the available evidence is currently insufficient to determine the role of this variant in disease. Therefore, it has been classified as a Variant of Uncertain Significance.

Literature cited by the submitters: PubMed 31000212.

NM_013254.4(TBK1):c.1849GAA[1] (p.Glu618del)

Gene: TBK1 (TANK binding kinase 1; plus strand). Cytogenetic location: 12q14.2.
Variant type: Microsatellite.
Coding change: c.1849GAA[1] on transcript NM_013254.4 (MANE Select); one copy of the 3-base unit GAA starting at c.1849; the reference has two copies in a row; one copy, 3 bases deleted.
Protein change: p.Glu618del; deletes glutamic acid 618.
Molecular consequence: inframe deletion.
Genome position (GRCh38, 1-based): chr12:64,497,040-64,497,042, GAA deleted; deleting any 3 consecutive bases within chr12:64,497,036-64,497,042 gives the same sequence; the position shown is the placement nearest the transcript's 3' end. VCF-style (leftmost placement, unchanged base first): chr12-64497035-CAGA-C. GRCh37 (hg19) VCF-style: chr12-64890815-CAGA-C.
Other names: short protein forms E618del.
Identifiers: ClinVar variation 4709028 (VCV004709028.1).